The following is an entry in ClinVar:

ClinVar aggregate classification (germline): Pathogenic (1 of 4 stars; one submission).

Conditions:
Neurofibromatosis, type 1 (NF1). Also called: NEUROFIBROMATOSIS, TYPE I, SOMATIC; VON RECKLINGHAUSEN DISEASE; Neurofibromatosis, type I; Peripheral type neurofibromatosis. Identifiers: Orphanet 636, MedGen C0027831, MONDO:0018975, OMIM 162200. Disease mechanism: loss of function.

Submission:

3billion
Classification: Pathogenic for Neurofibromatosis, type 1. Last evaluated: 2025-10-19. Review status: criteria provided, single submitter. Criteria: ACMG Guidelines, 2015. Collection method: clinical testing. Allele origin: germline. Affected: yes.
Comment: The variant is not observed in the gnomAD v4.1.0 dataset. Predicted Consequence/Location: Frameshift: predicted to result in a loss or disruption of normal protein function through nonsense-mediated decay (NMD) or protein truncation. Multiple pathogenic variants are reported downstream of the variant. The variant has been reported to be associated with NF1-related disorder (PMID: 35240321). Therefore, this variant is classified as Pathogenic according to the recommendation of ACMG/AMP guideline.

Literature cited by the submitters: PubMed 35240321.

NM_001042492.3(NF1):c.4656dup (p.Pro1553fs)

Gene: NF1 (neurofibromin 1; plus strand). Cytogenetic location: 17q11.2.
Variant type: Duplication.
Coding change: c.4656dup on transcript NM_001042492.3 (MANE Select); coding-DNA position 4656, one base duplicated (A; older notation c.4656dupA).
Protein change: p.Pro1553fs; shifts the reading frame from proline 1553.
Molecular consequence: frameshift variant.
Genome position (GRCh38, 1-based): chr17:31,261,789, A duplicated; the last of 3 consecutive A bases (chr17:31,261,787-31,261,789); duplicating any one gives the same sequence. VCF-style (leftmost placement, unchanged base first): chr17-31261786-C-CA. GRCh37 (hg19) VCF-style: chr17-29588804-C-CA.
Other names: c.4593dup, p.Pro1532fs (NM_000267.4); short protein forms P1532fs, P1553fs.
Identifiers: ClinVar variation 4855119 (VCV004855119.1).